The following is an entry in ClinVar:

NM_017909.4(RMND1):c.1247T>C (p.Met416Thr)

Gene: RMND1 (required for meiotic nuclear division 1 homolog; minus strand). Cytogenetic location: 6q25.1.
Variant type: single nucleotide variant.
Coding change: c.1247T>C on transcript NM_017909.4 (MANE Select); coding-DNA position 1247, T replaced by C.
Protein change: p.Met416Thr; replaces methionine 416 with threonine.
Molecular consequence: missense variant.
Genome position (GRCh38, 1-based): chr6:151,405,790, A>G on the plus strand (T>C on the coding strand, the complement: RMND1 is on the minus strand). VCF-style: chr6-151405790-A-G. GRCh37 (hg19) VCF-style: chr6-151726925-A-G.
Other names: c.737T>C, p.Met246Thr (NM_001271937.2); short protein forms M246T, M416T.
Identifiers: ClinVar variation 1512173 (VCV001512173.6), dbSNP rs747005738, ClinGen allele CA4050739.

ClinVar aggregate classification (germline): Uncertain significance (1 of 4 stars; one submission).

Allele frequency attached by ClinVar (database versions not stated): gnomAD exomes below 0.00001; ExAC 0.00001.

Submission:

Labcorp Genetics (formerly Invitae), Labcorp
Classification: Uncertain significance. Last evaluated: 2021-11-11. Review status: criteria provided, single submitter. Criteria: Invitae Variant Classification Sherloc (09022015). Collection method: clinical testing. Allele origin: germline.
Comment: This sequence change replaces methionine, which is neutral and non-polar, with threonine, which is neutral and polar, at codon 416 of the RMND1 protein (p.Met416Thr). This variant is present in population databases (rs747005738, gnomAD 0.003%). This variant has not been reported in the literature in individuals affected with RMND1-related conditions. Algorithms developed to predict the effect of missense changes on protein structure and function are either unavailable or do not agree on the potential impact of this missense change (SIFT: "Deleterious"; PolyPhen-2: "Probably Damaging"; Align-GVGD: "Class C0"). In summary, the available evidence is currently insufficient to determine the role of this variant in disease. Therefore, it has been classified as a Variant of Uncertain Significance.